The following is an entry in ClinVar:

ClinVar aggregate classification (germline): Uncertain significance (1 of 4 stars; one submission).

Conditions:
Primary ciliary dyskinesia. Also called: Ciliary dyskinesia. Identifiers: Orphanet 244, MedGen C0008780, MONDO:0016575, HP:0012265.

Allele frequency attached by ClinVar (database versions not stated): ExAC 0.00001; gnomAD exomes below 0.00001.
gnomAD v4.1: 3 of 1,612,988 alleles (0.00019%); highest among the groups gnomAD compares: Non-Finnish European, 0.00025%; no homozygotes.

Submission:

Labcorp Genetics (formerly Invitae), Labcorp
Classification: Uncertain significance for Primary ciliary dyskinesia. Last evaluated: 2022-07-12. Review status: criteria provided, single submitter. Criteria: Invitae Variant Classification Sherloc (09022015). Collection method: clinical testing. Allele origin: germline.
Comment: In summary, the available evidence is currently insufficient to determine the role of this variant in disease. Therefore, it has been classified as a Variant of Uncertain Significance. Algorithms developed to predict the effect of missense changes on protein structure and function are either unavailable or do not agree on the potential impact of this missense change (SIFT: "Tolerated"; PolyPhen-2: "Possibly Damaging"; Align-GVGD: "Class C0"). ClinVar contains an entry for this variant (Variation ID: 1420168). This variant has not been reported in the literature in individuals affected with DNAAF1-related conditions. This variant is present in population databases (rs755873006, gnomAD 0.006%). This sequence change replaces glutamic acid, which is acidic and polar, with glutamine, which is neutral and polar, at codon 339 of the DNAAF1 protein (p.Glu339Gln).

NM_178452.6(DNAAF1):c.1015G>C (p.Glu339Gln)

Gene: DNAAF1 (dynein axonemal assembly factor 1; plus strand). Cytogenetic location: 16q24.1.
Variant type: single nucleotide variant.
Coding change: c.1015G>C on transcript NM_178452.6 (MANE Select); coding-DNA position 1015, G replaced by C.
Protein change: p.Glu339Gln; replaces glutamic acid 339 with glutamine.
Molecular consequence: missense variant.
Genome position (GRCh38, 1-based): chr16:84,165,934, G>C. VCF-style: chr16-84165934-G-C. GRCh37 (hg19) VCF-style: chr16-84199540-G-C.
Other names: c.259G>C, p.Glu87Gln (NM_001318756.1); short protein forms E339Q, E87Q.
Identifiers: ClinVar variation 1420168 (VCV001420168.8), dbSNP rs755873006, ClinGen allele CA8202688.
Genomic context (GRCh38, chr16:84,165,934, plus strand): 5'-GACAGCATTGAAGCCTTGGCCATGATCAAGCAGCGGGCAGAGGAGAGGAAAAGACAGAGA[G>C]AGAGTCAAGAGAGAGGTATGCGCTCGGCCGAAGACAACAGCCCCAGAGTTCCTTTGAGAT-3'
Protein context (NP_848547.4, residues 329-349): QRAEERKRQR[Glu339Gln]SQERGEMTSS